The following is an entry in ClinVar:

ClinVar aggregate classification (germline): Uncertain significance (1 of 4 stars; one submission).

Submission:

Labcorp Genetics (formerly Invitae), Labcorp
Classification: Uncertain significance. Last evaluated: 2022-04-09. Review status: criteria provided, single submitter. Criteria: Invitae Variant Classification Sherloc (09022015). Collection method: clinical testing. Allele origin: germline.
Comment: This variant, c.230_235del, results in the deletion of 2 amino acid(s) of the TULP1 protein (p.Asp77_Pro78del), but otherwise preserves the integrity of the reading frame. This variant is not present in population databases (gnomAD no frequency). This variant has not been reported in the literature in individuals affected with TULP1-related conditions. Experimental studies and prediction algorithms are not available or were not evaluated, and the functional significance of this variant is currently unknown. In summary, the available evidence is currently insufficient to determine the role of this variant in disease. Therefore, it has been classified as a Variant of Uncertain Significance.

NM_003322.6(TULP1):c.230_235del (p.Asp77_Pro78del)

Gene: TULP1 (TUB like protein 1; minus strand). Cytogenetic location: 6p21.31.
Variant type: Deletion.
Coding change: c.230_235del on transcript NM_003322.6 (MANE Select); coding-DNA positions 230 to 235, 6 bases deleted (ACCCAG; older notation c.230_235delACCCAG).
Protein change: p.Asp77_Pro78del.
Molecular consequence: inframe deletion. On other transcripts: intron variant (1).
Genome position (GRCh38, 1-based): chr6:35,511,762-35,511,767, CTGGGT deleted on the plus strand (ACCCAG on the coding strand, the reverse complement: TULP1 is on the minus strand); deleting any 6 consecutive bases within chr6:35,511,762-35,511,772 gives the same sequence; the c. name uses the placement nearest the transcript's 3' end. VCF-style (leftmost placement, unchanged base first): chr6-35511761-GCTGGGT-G. GRCh37 (hg19) VCF-style: chr6-35479538-GCTGGGT-G.
Other names: c.190+413_190+418del (NM_001289395.2).
Identifiers: ClinVar variation 1952417 (VCV001952417.2), dbSNP rs1412207626, ClinGen allele CA824221673.